The following is an entry in ClinVar:

ClinVar aggregate classification (germline): Uncertain significance/Uncertain risk allele. Review status: criteria provided, multiple submitters, no conflicts (2 of 4 stars). 2 submissions from 2 submitters: Uncertain significance (1); Uncertain risk allele (1). Last evaluated 2017-10-23.

Conditions:
Maturity-onset diabetes of the young (MODY). Also called: Maturity onset diabetes mellitus in young. Identifiers: Orphanet 552, MedGen C0342276, MONDO:0018911, HP:0004904.

Allele frequency attached by ClinVar (database versions not stated): TOPMed below 0.00001; gnomAD 0.00001; gnomAD exomes 0.00001.
gnomAD v4.1: 9 of 1,613,362 alleles (0.00056%); highest among the groups gnomAD compares: Non-Finnish European, 0.00068%; no homozygotes.

Submissions (2):

GeneDx
Classification: Uncertain significance. Last evaluated: 2017-10-23. Review status: criteria provided, single submitter. Criteria: GeneDx Variant Classification (06012015). Collection method: clinical testing. Allele origin: germline. Affected: yes.
Comment: The V21I variant has not been published as a pathogenic variant, nor has it been reported as a benign variant to our knowledge. The variant is not observed in large population cohorts (Lek et al., 2016). V21I is a conservative amino acid substitution, which is not likely to impact secondary protein structure as these residues share similar properties. This substitution occurs at a position where amino acids with similar properties to Valine are tolerated across species. However, in silico analysis is inconsistent in its predictions as to whether or not the variant is damaging to the protein structure/function. In summary, based on the currently available information, it is unclear whether this variant is a pathogenic variant or a rare benign variant.

Clinical Genomics, Uppaluri K&H Personalized Medicine Clinic
Classification: Uncertain risk allele for Maturity-onset diabetes of the young. Review status: criteria provided, single submitter. Criteria: K & H Uppaluri Personalized Medicine Clinic Variant Classification & Assertion Criteria_Updated V.1. Collection method: research. Allele origin: unknown. Inheritance: Autosomal dominant inheritance.
Comment: HNF1B gene mutations are associated with early onset diabetes and pancreatic atrophy. It is also associated with multiple renal manifestations including renal cysts, Tubulointerstitial disease, glomerulocystic disease, renal hypoplasia, hypomagnesemia. However no sufficient evidence is found to ascertain the role of this particular variant rs1304695155, yet.

Literature cited by the submitters: PubMed 24897035 (cited by Clinical Genomics, Uppaluri K&H Personalized Medicine Clinic); PubMed 25536396 (cited by Clinical Genomics, Uppaluri K&H Personalized Medicine Clinic); PubMed 27615128 (cited by Clinical Genomics, Uppaluri K&H Personalized Medicine Clinic); PubMed 28215227 (cited by Clinical Genomics, Uppaluri K&H Personalized Medicine Clinic); PubMed 33434175 (cited by Clinical Genomics, Uppaluri K&H Personalized Medicine Clinic); PubMed 25741167 (cited by Clinical Genomics, Uppaluri K&H Personalized Medicine Clinic); PubMed 26340261 (cited by Clinical Genomics, Uppaluri K&H Personalized Medicine Clinic); PubMed 19639018 (cited by Clinical Genomics, Uppaluri K&H Personalized Medicine Clinic).

NM_000458.4(HNF1B):c.61G>A (p.Val21Ile)

Gene: HNF1B (HNF1 homeobox B; minus strand). Cytogenetic location: 17q12.
Variant type: single nucleotide variant.
Coding change: c.61G>A on transcript NM_000458.4 (MANE Select); coding-DNA position 61, G replaced by A.
Protein change: p.Val21Ile; replaces valine 21 with isoleucine.
Molecular consequence: missense variant.
Genome position (GRCh38, 1-based): chr17:37,744,824, C>T on the plus strand (G>A on the coding strand, the complement: HNF1B is on the minus strand). VCF-style: chr17-37744824-C-T. GRCh37 (hg19) VCF-style: chr17-36104815-C-T.
Other names: c.61G>A, p.Val21Ile (NM_001165923.4, NM_001304286.2); short protein forms V21I.
Identifiers: ClinVar variation 453011 (VCV000453011.3), dbSNP rs1304695155, ClinGen allele CA398754820.
Genomic context (GRCh38, chr17:37,744,824, plus strand): 5'-CCCCGAAGTTCGGGGATGGCAGCAACTCCTCCAAGGCCTGAACCAGCACCTCCTTGGTGA[C>T]CCCGGAGCTCAGCAGGGCGCTCAGGAGTTCTTGCTGGAGCGACGTGAGCTTGGACACCAT-3'
Protein context (NP_000449.1, residues 11-31): ELLSALLSSG[Val21Ile]TKEVLVQALE